The following is an entry in ClinVar:

ClinVar aggregate classification (germline): Pathogenic (1 of 4 stars; one submission).

Submission:

Labcorp Genetics (formerly Invitae), Labcorp
Classification: Pathogenic. Last evaluated: 2021-03-10. Review status: criteria provided, single submitter. Criteria: Invitae Variant Classification Sherloc (09022015). Collection method: clinical testing. Allele origin: germline.
Comment: For these reasons, this variant has been classified as Pathogenic. This variant has not been reported in the literature in individuals with HJV-related conditions. This variant is not present in population databases (ExAC no frequency). This sequence change creates a premature translational stop signal (p.Glu111*) in the HJV gene. It is expected to result in an absent or disrupted protein product. Loss-of-function variants in HJV are known to be pathogenic (PMID: 20301349, 22408404).

Literature cited by the submitters: PubMed 20301349; PubMed 22408404.

NM_213653.4(HJV):c.331G>T (p.Glu111Ter)

Gene: HJV (hemojuvelin BMP co-receptor; minus strand). Cytogenetic location: 1q21.1.
Variant type: single nucleotide variant.
Coding change: c.331G>T on transcript NM_213653.4 (MANE Select); coding-DNA position 331, G replaced by T.
Protein change: p.Glu111Ter; replaces glutamic acid 111 with a stop codon.
Molecular consequence: nonsense. On other transcripts: 5 prime UTR variant (1), intron variant (3).
Genome position (GRCh38, 1-based): chr1:146,019,501, C>A on the plus strand (G>T on the coding strand, the complement: HJV is on the minus strand). VCF-style: chr1-146019501-C-A. GRCh37 (hg19) VCF-style: chr1-145415512-G-T.
Other names: c.331G>T, p.Glu111Ter (NM_001379352.1); c.-9G>T (NM_145277.5); c.-21-801G>T (NM_213652.4); c.-22+197G>T (NM_202004.4, NM_001316767.2); short protein forms E111*.
Identifiers: ClinVar variation 1423659 (VCV001423659.6), dbSNP rs1475264827, ClinGen allele CA342142366.